The following is an entry in ClinVar:

NM_000435.3(NOTCH3):c.3989C>T (p.Ser1330Leu)

Gene: NOTCH3 (notch receptor 3; minus strand). Cytogenetic location: 19p13.12.
Variant type: single nucleotide variant.
Coding change: c.3989C>T on transcript NM_000435.3 (MANE Select); coding-DNA position 3989, C replaced by T.
Protein change: p.Ser1330Leu; replaces serine 1330 with leucine.
Molecular consequence: missense variant.
Genome position (GRCh38, 1-based): chr19:15,177,939, G>A on the plus strand (C>T on the coding strand, the complement: NOTCH3 is on the minus strand). VCF-style: chr19-15177939-G-A. GRCh37 (hg19) VCF-style: chr19-15288750-G-A.
Other names: short protein forms S1330L.
Identifiers: ClinVar variation 2125092 (VCV002125092.4), dbSNP rs2145415398, ClinGen allele CA404505656.

ClinVar aggregate classification (germline): Uncertain significance (1 of 4 stars; one submission).

gnomAD v4.1: 3 of 1,297,540 alleles (0.00023%); highest among the groups gnomAD compares: Non-Finnish European, 0.00029%; no homozygotes.

Submission:

Labcorp Genetics (formerly Invitae), Labcorp
Classification: Uncertain significance. Last evaluated: 2022-04-12. Review status: criteria provided, single submitter. Criteria: Invitae Variant Classification Sherloc (09022015). Collection method: clinical testing. Allele origin: germline.
Comment: In summary, the available evidence is currently insufficient to determine the role of this variant in disease. Therefore, it has been classified as a Variant of Uncertain Significance. Advanced modeling of protein sequence and biophysical properties (such as structural, functional, and spatial information, amino acid conservation, physicochemical variation, residue mobility, and thermodynamic stability) performed at Invitae indicates that this missense variant is not expected to disrupt NOTCH3 protein function. This variant has not been reported in the literature in individuals affected with NOTCH3-related conditions. This variant is not present in population databases (gnomAD no frequency). This sequence change replaces serine, which is neutral and polar, with leucine, which is neutral and non-polar, at codon 1330 of the NOTCH3 protein (p.Ser1330Leu).